The following is an entry in ClinVar:

NM_001286.5(CLCN6):c.2537G>T (p.Gly846Val)

Gene: CLCN6 (chloride voltage-gated channel 6; plus strand). Cytogenetic location: 1p36.22.
Variant type: single nucleotide variant.
Coding change: c.2537G>T on transcript NM_001286.5 (MANE Select); coding-DNA position 2537, G replaced by T.
Protein change: p.Gly846Val; replaces glycine 846 with valine.
Molecular consequence: missense variant. On other transcripts: non-coding transcript variant (1).
Genome position (GRCh38, 1-based): chr1:11,840,150, G>T. VCF-style: chr1-11840150-G-T. GRCh37 (hg19) VCF-style: chr1-11900207-G-T.
Other names: c.2471G>T, p.Gly824Val (NM_001256959.2); short protein forms G846V, G824V.
Identifiers: ClinVar variation 2858384 (VCV002858384.3), dbSNP rs2523185949, ClinGen allele CA338446999.
Genomic context (GRCh38, chr1:11,840,150, plus strand): 5'-TCTCGCCAGCGGGTTTTACCCTGAAGGTGACTCAGGCCTTCTCTTTGCCCTAGATCGTGG[G>T]GATCATCACACGGCACAACCTCACCTATGAATTTCTGCAGGCCCGGCTGAGGCAGCACTA-3'
Protein context (NP_001277.2, residues 836-856): PVVNAVGEIV[Gly846Val]IITRHNLTYE

ClinVar aggregate classification (germline): Uncertain significance (1 of 4 stars; one submission).

Submission:

Labcorp Genetics (formerly Invitae), Labcorp
Classification: Uncertain significance. Last evaluated: 2023-04-22. Review status: criteria provided, single submitter. Criteria: Invitae Variant Classification Sherloc (09022015). Collection method: clinical testing. Allele origin: germline.
Comment: In summary, the available evidence is currently insufficient to determine the role of this variant in disease. Therefore, it has been classified as a Variant of Uncertain Significance. An algorithm developed to predict the effect of missense changes on protein structure and function (PolyPhen-2) suggests that this variant is likely to be disruptive. This variant has not been reported in the literature in individuals affected with CLCN6-related conditions. This variant is not present in population databases (gnomAD no frequency). This sequence change replaces glycine, which is neutral and non-polar, with valine, which is neutral and non-polar, at codon 846 of the CLCN6 protein (p.Gly846Val).